The following is an entry in ClinVar:

NM_138295.5(PKD1L1):c.3586A>G (p.Met1196Val)

Gene: PKD1L1 (polycystin 1 like 1, transient receptor potential channel interacting; minus strand). Cytogenetic location: 7p12.3.
Variant type: single nucleotide variant.
Coding change: c.3586A>G on transcript NM_138295.5 (MANE Select); coding-DNA position 3586, A replaced by G.
Protein change: p.Met1196Val; replaces methionine 1196 with valine.
Molecular consequence: missense variant.
Genome position (GRCh38, 1-based): chr7:47,877,566, T>C on the plus strand (A>G on the coding strand, the complement: PKD1L1 is on the minus strand). VCF-style: chr7-47877566-T-C. GRCh37 (hg19) VCF-style: chr7-47917164-T-C.
Other names: c.3586A>G (NM_138295.3); short protein forms M1196V.
Identifiers: ClinVar variation 2070326 (VCV002070326.4), dbSNP rs752496736, ClinGen allele CA4253369.
Genomic context (GRCh38, chr7:47,877,566, plus strand): 5'-AGAAGACACTGAAGACGGTGTGTGCTTCCAGACCATGGTGGGGCTGCACCTGACAGGCCA[T>C]GTCCCGAGGAGCCGGGTTGACTGTCAAGTACAGCTGAGCTTTACCCAGTAAGCCATGCTT-3'
Protein context (NP_612152.1, residues 1186-1206): YLTVNPAPRD[Met1196Val]ACQVQPHHGL

ClinVar aggregate classification (germline): Conflicting classifications of pathogenicity. Review status: criteria provided, conflicting classifications (1 of 4 stars). 2 submissions from 2 submitters: Uncertain significance (1); Likely benign (1). Last evaluated 2025-10-28.

Conditions:
Inborn genetic diseases. Identifiers: MedGen C0950123, MeSH D030342.

Allele frequency attached by ClinVar (database versions not stated): gnomAD 0.00002; gnomAD exomes 0.00002; TOPMed 0.00002; ExAC 0.00005.

Submissions (2):

Labcorp Genetics (formerly Invitae), Labcorp
Classification: Uncertain significance. Last evaluated: 2025-10-28. Review status: criteria provided, single submitter. Criteria: Invitae Variant Classification Sherloc (09022015). Collection method: clinical testing. Allele origin: germline.
Comment: This sequence change replaces methionine, which is neutral and non-polar, with valine, which is neutral and non-polar, at codon 1196 of the PKD1L1 protein (p.Met1196Val). This variant is present in population databases (rs752496736, gnomAD 0.007%). This variant has not been reported in the literature in individuals affected with PKD1L1-related conditions. ClinVar contains an entry for this variant (Variation ID: 2070326). Invitae Evidence Modeling of protein sequence and biophysical properties (such as structural, functional, and spatial information, amino acid conservation, physicochemical variation, residue mobility, and thermodynamic stability) indicates that this missense variant is not expected to disrupt PKD1L1 protein function with a negative predictive value of 80%. In summary, the available evidence is currently insufficient to determine the role of this variant in disease. Therefore, it has been classified as a Variant of Uncertain Significance.

Ambry Genetics
Classification: Likely benign for Inborn genetic diseases. Last evaluated: 2023-12-12. Review status: criteria provided, single submitter. Criteria: Ambry Variant Classification Scheme 2023. Collection method: clinical testing. Allele origin: germline.